The following is an entry in ClinVar:

ClinVar aggregate classification (germline): Pathogenic. Review status: criteria provided, multiple submitters, no conflicts (2 of 4 stars). 3 submissions from 3 submitters: Pathogenic (3). Last evaluated 2025-02-05.

Conditions:
Telangiectasia, hereditary hemorrhagic, type 1 (HHT1). Also called: Osler Weber Rendu syndrome type 1; ENG-Related Hereditary Hemorrhagic Telangiectasia. Identifiers: Orphanet 774, MedGen C4551861, MONDO:0008535, OMIM 187300. Disease mechanism: loss of function.
Cardiovascular phenotype. Identifiers: MedGen CN230736.
Hereditary hemorrhagic telangiectasia (HHT). Also called: ORW DISEASE; Osler Weber Rendu syndrome; OSLER-RENDU-WEBER DISEASE; Osler hemorrhagic telangiectasia syndrome. Identifiers: Orphanet 774, MedGen C0039445, MONDO:0019180. Disease mechanism: loss of function.

Submissions (3):

Ambry Genetics
Classification: Pathogenic for Cardiovascular phenotype. Last evaluated: 2025-02-05. Review status: criteria provided, single submitter. Criteria: Ambry Variant Classification Scheme 2023. Collection method: clinical testing. Allele origin: germline.
Comment: The c.1479_1485delCCACCTG pathogenic mutation, located in coding exon 12 of the ENG gene, results from a deletion of 7 nucleotides at nucleotide positions 1479 to 1485, causing a translational frameshift with a predicted alternate stop codon (p.C493Wfs*23). This variant is considered to be rare based on population cohorts in the Genome Aggregation Database (gnomAD). This alteration is expected to result in loss of function by premature protein truncation or nonsense-mediated mRNA decay. As such, this alteration is interpreted as a disease-causing mutation.

Labcorp Genetics (formerly Invitae), Labcorp
Classification: Pathogenic for Hereditary hemorrhagic telangiectasia. Last evaluated: 2024-05-22. Review status: criteria provided, single submitter. Criteria: Invitae Variant Classification Sherloc (09022015). Collection method: clinical testing. Allele origin: germline.
Comment: This sequence change creates a premature translational stop signal (p.Cys493Trpfs*23) in the ENG gene. It is expected to result in an absent or disrupted protein product. Loss-of-function variants in ENG are known to be pathogenic (PMID: 15879500). This variant is not present in population databases (gnomAD no frequency). This variant has not been reported in the literature in individuals affected with ENG-related conditions. For these reasons, this variant has been classified as Pathogenic.

Impact Genetics, Dynacare/LabCorp
Classification: Pathogenic for Telangiectasia, hereditary hemorrhagic, type 1. Last evaluated: 2023-06-13. Review status: criteria provided, single submitter. Criteria: DeMille et al. (Hum Mutat. 2024). Collection method: clinical testing. Allele origin: germline. Affected: yes.
Comment: PVS1, PM2_supportive, PP4

Literature cited by the submitters: PubMed 15879500 (cited by Labcorp Genetics (formerly Invitae), Labcorp).

NM_001114753.3(ENG):c.1479_1485del (p.Cys493fs)

Genes: ENG (endoglin; minus strand), LOC102723566 (uncharacterized LOC102723566; plus strand). Cytogenetic location: 9q34.11.
Variant type: Deletion.
Coding change: c.1479_1485del on transcript NM_001114753.3 (MANE Select); coding-DNA positions 1479 to 1485, 7 bases deleted (CCACCTG; older notation c.1479_1485delCCACCTG).
Protein change: p.Cys493fs; shifts the reading frame from cysteine 493.
Molecular consequence: frameshift variant. On other transcripts: non-coding transcript variant (1).
Genome position (GRCh38, 1-based): chr9:127,818,321-127,818,327, CAGGTGG deleted on the plus strand (CCACCTG on the coding strand, the reverse complement: ENG is on the minus strand); deleting any 7 consecutive bases within chr9:127,818,321-127,818,330 gives the same sequence; the c. name uses the placement nearest the transcript's 3' end. VCF-style (leftmost placement, unchanged base first): chr9-127818320-CCAGGTGG-C. GRCh37 (hg19) VCF-style: chr9-130580599-CCAGGTGG-C.
Other names: c.1479_1485delCCACCTG (NM_001114753.1); c.1479_1485del, p.Cys493fs (NM_000118.4); c.933_939del, p.Cys311fs (NM_001278138.2); short protein forms C311fs, C493fs.
Identifiers: ClinVar variation 3654191 (VCV003654191.4).